The following is an entry in ClinVar:

ClinVar aggregate classification (germline): Uncertain significance (1 of 4 stars; one submission).

Conditions:
Carnitine palmitoyltransferase II deficiency. Also called: Carnitine Palmitoyltransferase 2 Deficiency. Identifiers: Orphanet 157, MedGen C0342790, MONDO:0015515.

Allele frequency attached by ClinVar (database versions not stated): gnomAD exomes below 0.00001; TOPMed below 0.00001.
gnomAD v4.1: 13 of 1,614,226 alleles (0.00081%); highest among the groups gnomAD compares: Non-Finnish European, 0.0011%; no homozygotes.

Submission:

Labcorp Genetics (formerly Invitae), Labcorp
Classification: Uncertain significance for Carnitine palmitoyltransferase II deficiency. Last evaluated: 2021-08-24. Review status: criteria provided, single submitter. Criteria: Invitae Variant Classification Sherloc (09022015). Collection method: clinical testing. Allele origin: germline.
Comment: This sequence change replaces leucine with phenylalanine at codon 441 of the CPT2 protein (p.Leu441Phe). The leucine residue is highly conserved and there is a small physicochemical difference between leucine and phenylalanine. This variant is not present in population databases (ExAC no frequency). This variant has not been reported in the literature in individuals affected with CPT2-related conditions. Advanced modeling of protein sequence and biophysical properties (such as structural, functional, and spatial information, amino acid conservation, physicochemical variation, residue mobility, and thermodynamic stability) performed at Invitae indicates that this missense variant is not expected to disrupt CPT2 protein function. In summary, the available evidence is currently insufficient to determine the role of this variant in disease. Therefore, it has been classified as a Variant of Uncertain Significance.

NM_000098.3(CPT2):c.1321C>T (p.Leu441Phe)

Gene: CPT2 (carnitine palmitoyltransferase 2; plus strand). Cytogenetic location: 1p32.3.
Variant type: single nucleotide variant.
Coding change: c.1321C>T on transcript NM_000098.3 (MANE Select); coding-DNA position 1321, C replaced by T.
Protein change: p.Leu441Phe; replaces leucine 441 with phenylalanine.
Molecular consequence: missense variant.
Genome position (GRCh38, 1-based): chr1:53,210,995, C>T. VCF-style: chr1-53210995-C-T. GRCh37 (hg19) VCF-style: chr1-53676667-C-T.
Other names: c.1321C>T, p.Leu441Phe (NM_001330589.2); short protein forms L441F.
Identifiers: ClinVar variation 1497255 (VCV001497255.5), dbSNP rs1285817135, ClinGen allele CA340395059.